The following is an entry in ClinVar:

NM_003280.3(TNNC1):c.116A>G (p.Lys39Arg)

Gene: TNNC1 (troponin C1, slow skeletal and cardiac type; minus strand). Cytogenetic location: 3p21.1.
Variant type: single nucleotide variant.
Coding change: c.116A>G on transcript NM_003280.3 (MANE Select); coding-DNA position 116, A replaced by G.
Protein change: p.Lys39Arg; replaces lysine 39 with arginine.
Molecular consequence: missense variant.
Genome position (GRCh38, 1-based): chr3:52,452,192, T>C on the plus strand (A>G on the coding strand, the complement: TNNC1 is on the minus strand). VCF-style: chr3-52452192-T-C. GRCh37 (hg19) VCF-style: chr3-52486208-T-C.
Other names: p.Lys39Arg; short protein forms K39R.
Identifiers: ClinVar variation 1739077 (VCV001739077.6), dbSNP rs2471444659, ClinGen allele CA353168964.
Genomic context (GRCh38, chr3:52,452,192, plus strand): 5'-TCCTGCAGCTCCTCAGGGGTGGGGTTCTGGCCCAGCATCCTCATCACCTTGCCCAGCTCC[T>C]TGGTGCTGATGCAGCCATCCTCAGCGCCCAGCACGAAGATGTCGAAGGCTGCCTTGAACT-3'
Protein context (NP_003271.1, residues 29-49): LGAEDGCIST[Lys39Arg]ELGKVMRMLG

ClinVar aggregate classification (germline): Uncertain significance. Review status: criteria provided, multiple submitters, no conflicts (2 of 4 stars). 3 submissions from 3 submitters: Uncertain significance (3). Last evaluated 2025-05-23.

Conditions:
Hypertrophic cardiomyopathy 13. Also called: TNNC1-Related Familial Hypertrophic Cardiomyopathy. Identifiers: MedGen C2750472, MONDO:0013195, OMIM 613243.
Dilated cardiomyopathy 1Z (CMD1Z). Identifiers: Orphanet 154, MedGen C2678475, MONDO:0012745, OMIM 611879.
Cardiovascular phenotype. Identifiers: MedGen CN230736.

Submissions (3):

Mayo Clinic Laboratories, Mayo Clinic
Classification: Uncertain significance. Last evaluated: 2025-05-23. Review status: criteria provided, single submitter. Criteria: ACMG Guidelines, 2015. Collection method: clinical testing. Allele origin: germline. Observed: 1 variant allele.
Comment: PM2_supporting

Labcorp Genetics (formerly Invitae), Labcorp
Classification: Uncertain significance for Hypertrophic cardiomyopathy 13; Dilated cardiomyopathy 1Z. Last evaluated: 2024-12-15. Review status: criteria provided, single submitter. Criteria: Invitae Variant Classification Sherloc (09022015). Collection method: clinical testing. Allele origin: germline.
Comment: This sequence change replaces lysine, which is basic and polar, with arginine, which is basic and polar, at codon 39 of the TNNC1 protein (p.Lys39Arg). This variant is not present in population databases (gnomAD no frequency). This variant has not been reported in the literature in individuals affected with TNNC1-related conditions. ClinVar contains an entry for this variant (Variation ID: 1739077). An algorithm developed to predict the effect of missense changes on protein structure and function (PolyPhen-2) suggests that this variant is likely to be disruptive. In summary, the available evidence is currently insufficient to determine the role of this variant in disease. Therefore, it has been classified as a Variant of Uncertain Significance.

Ambry Genetics
Classification: Uncertain significance for Cardiovascular phenotype. Last evaluated: 2019-09-17. Review status: criteria provided, single submitter. Criteria: Ambry Variant Classification Scheme 2023. Collection method: clinical testing. Allele origin: germline.
Comment: The p.K39R variant (also known as c.116A>G), located in coding exon 3 of the TNNC1 gene, results from an A to G substitution at nucleotide position 116. The lysine at codon 39 is replaced by arginine, an amino acid with highly similar properties. This amino acid position is highly conserved in available vertebrate species. In addition, the in silico prediction for this alteration is inconclusive. Since supporting evidence is limited at this time, the clinical significance of this alteration remains unclear.